The following is an entry in ClinVar:

NM_001321120.2(TBX4):c.395A>G (p.Asn132Ser)

Gene: TBX4 (T-box transcription factor 4; plus strand). Cytogenetic location: 17q23.2.
Variant type: single nucleotide variant.
Coding change: c.395A>G on transcript NM_001321120.2 (MANE Select); coding-DNA position 395, A replaced by G.
Protein change: p.Asn132Ser; replaces asparagine 132 with serine.
Molecular consequence: missense variant.
Genome position (GRCh38, 1-based): chr17:61,465,932, A>G. VCF-style: chr17-61465932-A-G. GRCh37 (hg19) VCF-style: chr17-59543293-A-G.
Other names: c.395A>G, p.Asn132Ser (NM_018488.3); short protein forms N132S.
Identifiers: ClinVar variation 3608907 (VCV003608907.2).

ClinVar aggregate classification (germline): Uncertain significance (1 of 4 stars; one submission).

gnomAD v4.1: 16 of 1,613,872 alleles (0.00099%); highest among the groups gnomAD compares: Admixed American, 0.0017%; no homozygotes.

Submission:

Labcorp Genetics (formerly Invitae), Labcorp
Classification: Uncertain significance. Last evaluated: 2024-10-30. Review status: criteria provided, single submitter. Criteria: Invitae Variant Classification Sherloc (09022015). Collection method: clinical testing. Allele origin: germline.
Comment: This sequence change replaces asparagine, which is neutral and polar, with serine, which is neutral and polar, at codon 132 of the TBX4 protein (p.Asn132Ser). This variant is present in population databases (rs375329209, gnomAD 0.008%). This variant has not been reported in the literature in individuals affected with TBX4-related conditions. Invitae Evidence Modeling of protein sequence and biophysical properties (such as structural, functional, and spatial information, amino acid conservation, physicochemical variation, residue mobility, and thermodynamic stability) indicates that this missense variant is not expected to disrupt TBX4 protein function with a negative predictive value of 95%. In summary, the available evidence is currently insufficient to determine the role of this variant in disease. Therefore, it has been classified as a Variant of Uncertain Significance.